The following is an entry in ClinVar:

ClinVar aggregate classification (germline): Pathogenic/Likely pathogenic. Review status: criteria provided, multiple submitters, no conflicts (2 of 4 stars). 4 submissions from 4 submitters: Pathogenic (1); Likely pathogenic (1). 2 of the submissions do not count toward it. Last evaluated 2025-07-15.

Conditions:
Char syndrome (CHAR). Also called: PATENT DUCTUS ARTERIOSUS WITH FACIAL DYSMORPHISM AND ABNORMAL FIFTH DIGITS. Identifiers: Orphanet 46627, MedGen C1868570, MONDO:0008209, OMIM 169100.

Allele frequency attached by ClinVar (database versions not stated): gnomAD exomes below 0.00001.

Submissions (4):

GeneDx
Classification: Likely pathogenic. Last evaluated: 2025-07-15. Review status: criteria provided, single submitter. Criteria: GeneDx Variant Classification Process June 2021. Collection method: clinical testing. Allele origin: germline. Affected: yes.
Comment: Published functional studies suggest a damaging effect; specifically, expression studies indicate R274Q results in reduced transactivation function via decreased DNA binding capacity (PMID: 11505339); In silico analysis supports that this missense variant has a deleterious effect on protein structure/function; Not observed at significant frequency in large population cohorts (gnomAD); Known as R274Q by alternate nomenclature; This variant is associated with the following publications: (PMID: 29555671, 37409559, 25500235, 11505339)

Embryology Laboratory, Victor Chang Cardiac Research Institute
Classification: Pathogenic for Char syndrome. Last evaluated: 2017-09-08. Review status: criteria provided, single submitter. Criteria: ACMG Guidelines, 2015. Collection method: research. Allele origin: germline. Inheritance: Autosomal dominant inheritance. Affected: yes. Observed: 7 variant alleles.
Comment: This variant was identified in an Australian family of Caucasian descent. This novel missense mutation (with respect to ExAC) segregates completely with disease in 7 individuals across 3 generations. All carriers of this variant exhibit suble characteristic CHAR syndrome features, except one individual who appears asymptomatic, suggesting incomplete penetrance of this variant.

OMIM
Classification: Pathogenic for CHAR SYNDROME. Last evaluated: 2001-10-01. Review status: no assertion criteria provided. Collection method: literature only. Allele origin: germline. Not counted in ClinVar's aggregate classification.

GeneReviews
No classification provided. Condition: Char syndrome. Review status: no classification provided. Collection method: literature only. Allele origin: unknown. Not counted in ClinVar's aggregate classification.

Literature cited by the submitters: PubMed 29555671 (cited by Embryology Laboratory, Victor Chang Cardiac Research Institute); PubMed 11505339 (cited by OMIM and GeneReviews); PubMed 20301285 (cited by GeneReviews); NCBI Bookshelf NBK1106 (cited by GeneReviews).

NM_003221.4(TFAP2B):c.854G>A (p.Arg285Gln)

Gene: TFAP2B (transcription factor AP-2 beta; plus strand). Cytogenetic location: 6p12.3.
Variant type: single nucleotide variant.
Coding change: c.854G>A on transcript NM_003221.4 (MANE Select); coding-DNA position 854, G replaced by A.
Protein change: p.Arg285Gln; replaces arginine 285 with glutamine.
Molecular consequence: missense variant.
Genome position (GRCh38, 1-based): chr6:50,838,007, G>A. VCF-style: chr6-50838007-G-A. GRCh37 (hg19) VCF-style: chr6-50805720-G-A.
Other names: R274Q; c.821G>A (X95694.1); short protein forms R285Q.
Identifiers: ClinVar variation 8043 (VCV000008043.5), dbSNP rs80338915, ClinGen allele CA340720.